The following is an entry in ClinVar:

NM_025137.4(SPG11):c.29C>G (p.Ala10Gly)

Gene: SPG11 (SPG11 vesicle trafficking associated, spatacsin; minus strand). Cytogenetic location: 15q21.1.
Variant type: single nucleotide variant.
Coding change: c.29C>G on transcript NM_025137.4 (MANE Select); coding-DNA position 29, C replaced by G.
Protein change: p.Ala10Gly; replaces alanine 10 with glycine.
Molecular consequence: missense variant.
Genome position (GRCh38, 1-based): chr15:44,663,619, G>C on the plus strand (C>G on the coding strand, the complement: SPG11 is on the minus strand). VCF-style: chr15-44663619-G-C. GRCh37 (hg19) VCF-style: chr15-44955817-G-C.
Other names: c.29C>G, p.Ala10Gly (NM_001160227.2); short protein forms A10G.
Identifiers: ClinVar variation 862075 (VCV000862075.7), dbSNP rs750165094, ClinGen allele CA7535975.

ClinVar aggregate classification (germline): Uncertain significance (1 of 4 stars; one submission).

Conditions:
Hereditary spastic paraplegia 11. Also called: SPASTIC PARAPLEGIA, AUTOSOMAL RECESSIVE, COMPLICATED, WITH THIN CORPUS CALLOSUM; SPASTIC PARAPLEGIA, AUTOSOMAL RECESSIVE, WITH MENTAL IMPAIRMENT AND THIN CORPUS CALLOSUM; Spastic Paraplegia 11; Nakamura Osame syndrome; Autosomal recessive hereditary spastic paraplegia, mental impairment, and thin corpus callosum; Spastic paraplegia, mental retardation and thin corpus callosum. Identifiers: Orphanet 2822, MedGen C1858479, MONDO:0011445, OMIM 604360.

Allele frequency attached by ClinVar (database versions not stated): TOPMed 0.00002; 1000 Genomes Project 30x 0.00016.
gnomAD v4.1: 14 of 1,596,354 alleles (0.00088%); highest among the groups gnomAD compares: East Asian, 0.022%; no homozygotes.

Submission:

Labcorp Genetics (formerly Invitae), Labcorp
Classification: Uncertain significance for Hereditary spastic paraplegia 11. Last evaluated: 2021-08-28. Review status: criteria provided, single submitter. Criteria: Invitae Variant Classification Sherloc (09022015). Collection method: clinical testing. Allele origin: germline.
Comment: This sequence change replaces alanine with glycine at codon 10 of the SPG11 protein (p.Ala10Gly). The alanine residue is moderately conserved and there is a small physicochemical difference between alanine and glycine. This variant is present in population databases (rs750165094, ExAC 0.2%). This variant has not been reported in the literature in individuals affected with SPG11-related conditions. Algorithms developed to predict the effect of missense changes on protein structure and function output the following: SIFT: "Tolerated"; PolyPhen-2: "Not Available"; Align-GVGD: "Class C0". The glycine amino acid residue is found in multiple mammalian species, which suggests that this missense change does not adversely affect protein function. In summary, the available evidence is currently insufficient to determine the role of this variant in disease. Therefore, it has been classified as a Variant of Uncertain Significance.